The following is an entry in ClinVar:

ClinVar aggregate classification (germline): Uncertain significance. Review status: criteria provided, multiple submitters, no conflicts (2 of 4 stars). 2 submissions from 2 submitters: Uncertain significance (2). Last evaluated 2025-11-18.

Conditions:
Charcot-Marie-Tooth disease type 2. Also called: Charcot-Marie-Tooth type 2. Identifiers: Orphanet 64746, MedGen C0270914, MONDO:0018993.

Submissions (2):

Labcorp Genetics (formerly Invitae), Labcorp
Classification: Uncertain significance for Charcot-Marie-Tooth disease type 2. Last evaluated: 2025-11-18. Review status: criteria provided, single submitter. Criteria: Invitae Variant Classification Sherloc (09022015). Collection method: clinical testing. Allele origin: germline.
Comment: This sequence change replaces alanine, which is neutral and non-polar, with proline, which is neutral and non-polar, at codon 269 of the LMNA protein (p.Ala269Pro). This variant is not present in population databases (gnomAD no frequency). This variant has not been reported in the literature in individuals affected with LMNA-related conditions. ClinVar contains an entry for this variant (Variation ID: 598550). Invitae Evidence Modeling of protein sequence and biophysical properties (such as structural, functional, and spatial information, amino acid conservation, physicochemical variation, residue mobility, and thermodynamic stability) indicates that this missense variant is expected to disrupt LMNA protein function with a positive predictive value of 95%. In summary, the available evidence is currently insufficient to determine the role of this variant in disease. Therefore, it has been classified as a Variant of Uncertain Significance.

Eurofins Ntd Llc (ga)
Classification: Uncertain significance. Last evaluated: 2018-08-29. Review status: criteria provided, single submitter. Criteria: EGL ClinVar v180209 classification definitions. Collection method: clinical testing. Allele origin: germline. Observed: 1 variant allele, 1 heterozygote.

NM_170707.4(LMNA):c.805G>C (p.Ala269Pro)

Gene: LMNA (lamin A/C; plus strand). Cytogenetic location: 1q22.
Variant type: single nucleotide variant.
Coding change: c.805G>C on transcript NM_170707.4 (MANE Select); coding-DNA position 805, G replaced by C.
Protein change: p.Ala269Pro; replaces alanine 269 with proline.
Molecular consequence: missense variant.
Genome position (GRCh38, 1-based): chr1:156,134,970, G>C. VCF-style: chr1-156134970-G-C. GRCh37 (hg19) VCF-style: chr1-156104761-G-C.
Other names: c.469G>C, p.Ala157Pro (NM_001257374.3); c.562G>C, p.Ala188Pro (NM_001282624.2); c.805G>C, p.Ala269Pro (NM_001282625.2, NM_001282626.2, NM_005572.4 and 1 more transcripts); short protein forms A269P, A157P, A188P.
Identifiers: ClinVar variation 598550 (VCV000598550.14), dbSNP rs1558129744, ClinGen allele CA342817445.